The following is an entry in ClinVar:

NM_000094.4(COL7A1):c.5933G>C (p.Arg1978Pro)

Gene: COL7A1 (collagen type VII alpha 1 chain; minus strand). Cytogenetic location: 3p21.31.
Variant type: single nucleotide variant.
Coding change: c.5933G>C on transcript NM_000094.4 (MANE Select); coding-DNA position 5933, G replaced by C.
Protein change: p.Arg1978Pro; replaces arginine 1978 with proline.
Molecular consequence: missense variant.
Genome position (GRCh38, 1-based): chr3:48,575,672, C>G on the plus strand (G>C on the coding strand, the complement: COL7A1 is on the minus strand). VCF-style: chr3-48575672-C-G. GRCh37 (hg19) VCF-style: chr3-48613105-C-G.
Other names: short protein forms R1978P.
Identifiers: ClinVar variation 345827 (VCV000345827.8), dbSNP rs754315799, ClinGen allele CA2379241.
Genomic context (GRCh38, chr3:48,575,672, plus strand): 5'-CCACTTCTGCTCACCTCCTTGCCTGGGGGGCCCTGTTCGCCTGAGTCCCCCTTGGGGCCT[C>G]GACGCCGTTCGGGCACAGGCAGGAAGCTACCAGAGCTCTCATCCCAGGTCTCCACGATCT-3'
Protein context (NP_000085.1, residues 1968-1988): GSFLPVPERR[Arg1978Pro]GPKGDSGEQG

ClinVar aggregate classification (germline): Uncertain significance. Review status: criteria provided, multiple submitters, no conflicts (2 of 4 stars). 3 submissions from 3 submitters: Uncertain significance (3). Last evaluated 2026-03-23.

Conditions:
Epidermolysis bullosa dystrophica. Also called: Dystrophic epidermolysis bullosa, Hallopeau-Siemens type (formerly); Dystrophic epidermolysis bullosa. Identifiers: Orphanet 303, MedGen C0079294, MONDO:0006543.

gnomAD v4.1: 16 of 1,613,578 alleles (0.00099%); highest among the groups gnomAD compares: Admixed American, 0.005%; no homozygotes.

Submissions (3):

Women's Health and Genetics/Laboratory Corporation of America, LabCorp
Classification: Uncertain significance. Last evaluated: 2026-03-23. Review status: criteria provided, single submitter. Criteria: LabCorp Variant Classification Summary - May 2015. Collection method: clinical testing. Allele origin: germline.

Labcorp Genetics (formerly Invitae), Labcorp
Classification: Uncertain significance. Last evaluated: 2025-08-17. Review status: criteria provided, single submitter. Criteria: Invitae Variant Classification Sherloc (09022015). Collection method: clinical testing. Allele origin: germline.
Comment: This sequence change replaces arginine, which is basic and polar, with proline, which is neutral and non-polar, at codon 1978 of the COL7A1 protein (p.Arg1978Pro). This variant is present in population databases (rs754315799, gnomAD 0.003%). This variant has not been reported in the literature in individuals affected with COL7A1-related conditions. ClinVar contains an entry for this variant (Variation ID: 345827). Invitae Evidence Modeling of protein sequence and biophysical properties (such as structural, functional, and spatial information, amino acid conservation, physicochemical variation, residue mobility, and thermodynamic stability) indicates that this missense variant is not expected to disrupt COL7A1 protein function with a negative predictive value of 95%. In summary, the available evidence is currently insufficient to determine the role of this variant in disease. Therefore, it has been classified as a Variant of Uncertain Significance.

Illumina Laboratory Services, Illumina
Classification: Uncertain significance for Dystrophic epidermolysis bullosa. Last evaluated: 2018-01-12. Review status: criteria provided, single submitter. Criteria: ICSL Variant Classification Criteria 13 December 2019. Collection method: clinical testing. Allele origin: germline.